The following is an entry in ClinVar:

NM_021813.4(BACH2):c.1157C>T (p.Thr386Ile)

Gene: BACH2 (BACH transcriptional regulator 2; minus strand). Cytogenetic location: 6q15.
Variant type: single nucleotide variant.
Coding change: c.1157C>T on transcript NM_021813.4 (MANE Select); coding-DNA position 1157, C replaced by T.
Protein change: p.Thr386Ile; replaces threonine 386 with isoleucine.
Molecular consequence: missense variant.
Genome position (GRCh38, 1-based): chr6:89,950,949, G>A on the plus strand (C>T on the coding strand, the complement: BACH2 is on the minus strand). VCF-style: chr6-89950949-G-A. GRCh37 (hg19) VCF-style: chr6-90660668-G-A.
Other names: c.1157C>T, p.Thr386Ile (NM_001170794.2); short protein forms T386I.
Identifiers: ClinVar variation 3607274 (VCV003607274.2).

ClinVar aggregate classification (germline): Uncertain significance (1 of 4 stars; one submission).

Submission:

Labcorp Genetics (formerly Invitae), Labcorp
Classification: Uncertain significance. Last evaluated: 2024-06-11. Review status: criteria provided, single submitter. Criteria: Invitae Variant Classification Sherloc (09022015). Collection method: clinical testing. Allele origin: germline.
Comment: This sequence change replaces threonine, which is neutral and polar, with isoleucine, which is neutral and non-polar, at codon 386 of the BACH2 protein (p.Thr386Ile). This variant is not present in population databases (gnomAD no frequency). This variant has not been reported in the literature in individuals affected with BACH2-related conditions. Advanced modeling of protein sequence and biophysical properties (such as structural, functional, and spatial information, amino acid conservation, physicochemical variation, residue mobility, and thermodynamic stability) performed at Invitae indicates that this missense variant is not expected to disrupt BACH2 protein function with a negative predictive value of 80%. In summary, the available evidence is currently insufficient to determine the role of this variant in disease. Therefore, it has been classified as a Variant of Uncertain Significance.